The following continues an entry in ClinVar:

NM_000059.4(BRCA2):c.1514T>C (p.Ile505Thr)

Gene: BRCA2. ClinVar aggregate classification (germline): Benign. Benign (1).

Submissions 20 to 36 of 36:

Clinical Genetics DNA and cytogenetics Diagnostics Lab, Erasmus MC, Erasmus Medical Center
Classification: Benign for Breast-ovarian cancer, familial, susceptibility to, 2. Last evaluated: 2015-09-21. Review status: criteria provided, single submitter. Criteria: ACGS Guidelines, 2013. Collection method: clinical testing. Allele origin: germline. Affected: yes. Study: VKGL Data-share Consensus. Not counted in ClinVar's aggregate classification.

Color Diagnostics, LLC DBA Color Health
Classification: Likely benign for Hereditary cancer-predisposing syndrome. Last evaluated: 2015-02-20. Review status: criteria provided, single submitter. Criteria: ACMG Guidelines, 2015. Collection method: clinical testing. Allele origin: germline. Not counted in ClinVar's aggregate classification.

Ambry Genetics
Classification: Benign for Hereditary cancer-predisposing syndrome. Last evaluated: 2014-11-19. Review status: criteria provided, single submitter. Criteria: Ambry Variant Classification Scheme 2023. Collection method: clinical testing. Allele origin: germline. Not counted in ClinVar's aggregate classification.

Women's Health and Genetics/Laboratory Corporation of America, LabCorp
Classification: Benign for Hereditary breast ovarian cancer syndrome. Last evaluated: 2014-10-20. Review status: criteria provided, single submitter. Criteria: LabCorp Variant Classification Summary - May 2015. Collection method: clinical testing. Allele origin: germline. Not counted in ClinVar's aggregate classification.

Genome Diagnostics Laboratory, University Medical Center Utrecht
Classification: Benign for Breast-ovarian cancer, familial, susceptibility to, 2. Last evaluated: 2014-10-09. Review status: criteria provided, single submitter. Criteria: ACGS Guidelines, 2013. Collection method: clinical testing. Allele origin: germline. Affected: yes. Study: VKGL Data-share Consensus. Not counted in ClinVar's aggregate classification.

CSER _CC_NCGL, University of Washington
Classification: Likely benign for Breast cancer. Last evaluated: 2014-06-01. Review status: criteria provided, single submitter. Criteria: Amendola et al. (Genome Res. 2015). Collection method: research. Allele origin: germline. Inheritance: Autosomal dominant inheritance. Study: ESP 6500 variant annotation. Not counted in ClinVar's aggregate classification.
Comment: Variants classified for the Actionable exomic incidental findings in 6503 participants: challenges of variant classification manuscript

PreventionGenetics, part of Exact Sciences
Classification: Likely benign. Review status: criteria provided, single submitter. Criteria: ACMG Guidelines, 2015. Collection method: clinical testing. Allele origin: germline. Not counted in ClinVar's aggregate classification.

True Health Diagnostics
Classification: Likely benign for Hereditary cancer-predisposing syndrome. Last evaluated: 2018-11-09. Review status: no assertion criteria provided. Collection method: clinical testing. Allele origin: germline. Not counted in ClinVar's aggregate classification.

Counsyl
Classification: Likely benign for Breast-ovarian cancer, familial 2. Last evaluated: 2014-02-17. Review status: no assertion criteria provided. Collection method: literature only. Allele origin: unknown. Inheritance: Autosomal dominant inheritance. Not counted in ClinVar's aggregate classification.

Biesecker Lab/Clinical Genomics Section, National Institutes of Health
Classification: Likely benign. Last evaluated: 2012-07-13. Review status: no assertion criteria provided. Collection method: research. Allele origin: germline. Affected: no. Observed: 3 variant alleles. Study: ClinSeq. Not counted in ClinVar's aggregate classification.
ClinVar note: Converted during submission from probably not pathogenic to Likely benign.

Sharing Clinical Reports Project (SCRP)
Classification: Benign for Breast-ovarian cancer, familial 2. Last evaluated: 2012-05-01. Review status: no assertion criteria provided. Collection method: clinical testing. Allele origin: germline. Not counted in ClinVar's aggregate classification.

Breast Cancer Information Core (BIC) (BRCA2)
Classification: Benign for Breast-ovarian cancer, familial 2. Last evaluated: 2002-05-29. Review status: no assertion criteria provided. Collection method: clinical testing. Allele origin: germline. Affected: yes. Observed: 128 variant alleles. Not counted in ClinVar's aggregate classification.

Clinical Genetics Laboratory, Department of Pathology, Netherlands Cancer Institute
Classification: Benign. Review status: no assertion criteria provided. Collection method: clinical testing. Allele origin: germline. Affected: yes. Study: VKGL Data-share Consensus. Not counted in ClinVar's aggregate classification.

Department of Pathology and Laboratory Medicine, Sinai Health System
Classification: Benign. Review status: no assertion criteria provided. Collection method: clinical testing. Allele origin: unknown. Affected: yes. Observed: 4 variant alleles. Study: The Canadian Open Genetics Repository (COGR). Not counted in ClinVar's aggregate classification.

Diagnostic Laboratory, Department of Genetics, University Medical Center Groningen
Classification: Benign for Breast-ovarian cancer, familial, susceptibility to, 2. Review status: no assertion criteria provided. Collection method: clinical testing. Allele origin: germline. Affected: yes. Study: VKGL Data-share Consensus. Not counted in ClinVar's aggregate classification.

Joint Genome Diagnostic Labs from Nijmegen and Maastricht, Radboudumc and MUMC+
Classification: Benign. Review status: no assertion criteria provided. Collection method: clinical testing. Allele origin: germline. Affected: yes. Study: VKGL Data-share Consensus. Not counted in ClinVar's aggregate classification.

Laboratory of Diagnostic Genome Analysis, Leiden University Medical Center (LUMC)
Classification: Likely benign. Review status: no assertion criteria provided. Collection method: clinical testing. Allele origin: germline. Affected: yes. Study: VKGL Data-share Consensus. Not counted in ClinVar's aggregate classification.

Literature cited by the submitters: PubMed 31131967 (cited by Evidence-based Network for the Interpretation of Germline Mutant Alleles (ENIGMA)); PubMed 20104584 (cited by Women's Health and Genetics/Laboratory Corporation of America, LabCorp and Counsyl); PubMed 12474142 (cited by Women's Health and Genetics/Laboratory Corporation of America, LabCorp); PubMed 21520273 (cited by Women's Health and Genetics/Laboratory Corporation of America, LabCorp and Counsyl); PubMed 21702907 (cited by Women's Health and Genetics/Laboratory Corporation of America, LabCorp and Counsyl); PubMed 11929857 (cited by Women's Health and Genetics/Laboratory Corporation of America, LabCorp); PubMed 15983021 (cited by Women's Health and Genetics/Laboratory Corporation of America, LabCorp); PubMed 21952622 (cited by Women's Health and Genetics/Laboratory Corporation of America, LabCorp and Counsyl); PubMed 18559594 (cited by Women's Health and Genetics/Laboratory Corporation of America, LabCorp); PubMed 24055113 (cited by Women's Health and Genetics/Laboratory Corporation of America, LabCorp and Counsyl); PubMed 19471317 (cited by Women's Health and Genetics/Laboratory Corporation of America, LabCorp); PubMed 22505045 (cited by Women's Health and Genetics/Laboratory Corporation of America, LabCorp); PubMed 21120943 (cited by Women's Health and Genetics/Laboratory Corporation of America, LabCorp); PubMed 24489791 (cited by Women's Health and Genetics/Laboratory Corporation of America, LabCorp); PubMed 16760289 (cited by Women's Health and Genetics/Laboratory Corporation of America, LabCorp); PubMed 24916970 (cited by Women's Health and Genetics/Laboratory Corporation of America, LabCorp); PubMed 24082139 (cited by Counsyl); PubMed 23231788 (cited by Counsyl); PubMed 11241844 (cited by Counsyl); PubMed 20694749 (cited by Counsyl).